The following is an entry in ClinVar:

ClinVar aggregate classification (germline): Likely pathogenic (1 of 4 stars; one submission).

Conditions:
Primary ciliary dyskinesia 9. Also called: CILIARY DYSKINESIA, PRIMARY, 9, WITH OR WITHOUT SITUS INVERSUS. Identifiers: Orphanet 244, MedGen C2676235, MONDO:0012906, OMIM 612444.

Submission:

3billion
Classification: Likely pathogenic for Primary ciliary dyskinesia 9. Last evaluated: 2022-05-22. Review status: criteria provided, single submitter. Criteria: ACMG Guidelines, 2015. Collection method: clinical testing. Allele origin: germline. Affected: yes. Observed: 1 heterozygote.
Comment: The variant is not observed in the gnomAD v2.1.1 dataset. Frameshift: predicted to result in a loss or disruption of normal protein function through nonsense-mediated decay (NMD) or protein truncation. Multiple pathogenic variants are reported downstream of the variant. Therefore, this variant is classified as likely pathogenic according to the recommendation of ACMG/AMP guideline.

NM_023036.6(DNAI2):c.341_344del (p.Gly114fs)

Gene: DNAI2 (dynein axonemal intermediate chain 2; plus strand). Cytogenetic location: 17q25.1.
Variant type: Deletion.
Coding change: c.341_344del on transcript NM_023036.6 (MANE Select); coding-DNA positions 341 to 344, 4 bases deleted (GCTC; older notation c.341_344delGCTC).
Protein change: p.Gly114fs; shifts the reading frame from glycine 114.
Molecular consequence: frameshift variant. On other transcripts: non-coding transcript variant (1).
Genome position (GRCh38, 1-based): chr17:74,285,197-74,285,200, GCTC deleted. VCF-style (leftmost placement, unchanged base first): chr17-74285196-GGCTC-G. GRCh37 (hg19) VCF-style: chr17-72281335-GGCTC-G.
Other names: c.341_344del, p.Gly114fs (NM_001172810.3, NM_001353167.2); short protein forms G114fs.
Identifiers: ClinVar variation 1687254 (VCV001687254.1), dbSNP rs2143904159, ClinGen allele CA2573154806.